The following is an entry in ClinVar:

NM_000352.6(ABCC8):c.621C>T (p.Pro207=)

Gene: ABCC8 (ATP binding cassette subfamily C member 8; minus strand). Cytogenetic location: 11p15.1.
Variant type: single nucleotide variant.
Coding change: c.621C>T on transcript NM_000352.6 (MANE Select); coding-DNA position 621, C replaced by T.
Protein change: p.Pro207=; no amino-acid change (proline 207 retained).
Molecular consequence: synonymous variant. On other transcripts: non-coding transcript variant (1).
Genome position (GRCh38, 1-based): chr11:17,461,784, G>A on the plus strand (C>T on the coding strand, the complement: ABCC8 is on the minus strand). VCF-style: chr11-17461784-G-A. GRCh37 (hg19) VCF-style: chr11-17483331-G-A.
Other names: c.621C>T, p.Pro207= (NM_001287174.3, NM_001351295.2, NM_001351296.2 and 1 more transcripts).
Identifiers: ClinVar variation 877363 (VCV000877363.12), dbSNP rs765043940, ClinGen allele CA5903811.

ClinVar aggregate classification (germline): Conflicting classifications of pathogenicity. Review status: criteria provided, conflicting classifications (1 of 4 stars). 4 submissions from 2 submitters: Uncertain significance (2); Benign (1); Likely benign (1). Last evaluated 2023-10-17.

Conditions:
Diabetes mellitus, transient neonatal, 2 (TNDM2). Identifiers: Orphanet 99886, MedGen C1835887, MONDO:0012480, OMIM 610374. Disease mechanism: loss of function.
Hyperinsulinemic hypoglycemia, familial, 1 (HHF1). Also called: Persistent hyperinsulinemic hypoglycemia of infancy; Persistent Hyperinsulinemia Hypoglycemia of Infancy; HYPERINSULINISM, FAMILIAL, WITH PANCREATIC NESIDIOBLASTOSIS; HYPOGLYCEMIA, HYPERINSULINEMIC, OF INFANCY; NESIDIOBLASTOSIS OF PANCREAS. Identifiers: Orphanet 276575, Orphanet 276598, MedGen C2931832, MONDO:0009734, OMIM 256450.
Permanent neonatal diabetes mellitus (PNDM). Identifiers: Orphanet 99885, MedGen C1833104, MONDO:0100164, MONDO:0011643. Disease mechanism: gain of function.

Allele frequency attached by ClinVar (database versions not stated): TOPMed 0.00001; gnomAD exomes 0.00006; ExAC 0.00007.
gnomAD v4.1: 55 of 1,614,008 alleles (0.0034%); highest among the groups gnomAD compares: South Asian, 0.0099%; no homozygotes.

Submissions (4):

Labcorp Genetics (formerly Invitae), Labcorp
Classification: Likely benign. Last evaluated: 2023-10-17. Review status: criteria provided, single submitter. Criteria: Invitae Variant Classification Sherloc (09022015). Collection method: clinical testing. Allele origin: germline.

Illumina Laboratory Services, Illumina
Classification: Uncertain significance for Hyperinsulinemic hypoglycemia, familial, 1. Last evaluated: 2017-04-27. Review status: criteria provided, single submitter. Criteria: ICSL Variant Classification Criteria 13 December 2019. Collection method: clinical testing. Allele origin: germline.

Illumina Laboratory Services, Illumina
Classification: Uncertain significance for Permanent neonatal diabetes mellitus 1. Last evaluated: 2017-04-27. Review status: criteria provided, single submitter. Criteria: ICSL Variant Classification Criteria 13 December 2019. Collection method: clinical testing. Allele origin: germline.

Illumina Laboratory Services, Illumina
Classification: Benign for Diabetes mellitus, transient neonatal, 2. Last evaluated: 2017-04-27. Review status: criteria provided, single submitter. Criteria: ICSL Variant Classification Criteria 13 December 2019. Collection method: clinical testing. Allele origin: germline.
Comment: This variant was observed as part of a predisposition screen in an ostensibly healthy population. A literature search was performed for the gene, cDNA change, and amino acid change (where applicable). No publications were found based on this search. Allele frequency data from public databases was too high to be consistent with this variant causing disease. Therefore, this variant is classified as benign.